The following is an entry in ClinVar:

ClinVar aggregate classification (germline): Uncertain significance (1 of 4 stars; one submission).

Allele frequency attached by ClinVar (database versions not stated): gnomAD exomes 0.00001 and 0.00002; TOPMed 0.00001; gnomAD 0.00002; ESP Exome Variant Server 0.00008.
gnomAD v4.1: 35 of 1,613,988 alleles (0.0022%); highest among the groups gnomAD compares: Non-Finnish European, 0.0029%; no homozygotes.

Submission:

Labcorp Genetics (formerly Invitae), Labcorp
Classification: Uncertain significance. Last evaluated: 2022-06-27. Review status: criteria provided, single submitter. Criteria: Invitae Variant Classification Sherloc (09022015). Collection method: clinical testing. Allele origin: germline.
Comment: This sequence change replaces lysine, which is basic and polar, with asparagine, which is neutral and polar, at codon 332 of the SERPINH1 protein (p.Lys332Asn). This variant is present in population databases (rs147936395, gnomAD 0.002%). This variant has not been reported in the literature in individuals affected with SERPINH1-related conditions. Advanced modeling of protein sequence and biophysical properties (such as structural, functional, and spatial information, amino acid conservation, physicochemical variation, residue mobility, and thermodynamic stability) performed at Invitae indicates that this missense variant is not expected to disrupt SERPINH1 protein function. In summary, the available evidence is currently insufficient to determine the role of this variant in disease. Therefore, it has been classified as a Variant of Uncertain Significance.

NM_001235.5(SERPINH1):c.996G>C (p.Lys332Asn)

Gene: SERPINH1 (serpin family H member 1; plus strand). Cytogenetic location: 11q13.5.
Variant type: single nucleotide variant.
Coding change: c.996G>C on transcript NM_001235.5 (MANE Select); coding-DNA position 996, G replaced by C.
Protein change: p.Lys332Asn; replaces lysine 332 with asparagine.
Molecular consequence: missense variant.
Genome position (GRCh38, 1-based): chr11:75,571,822, G>C. VCF-style: chr11-75571822-G-C. GRCh37 (hg19) VCF-style: chr11-75282867-G-C.
Other names: c.996G>C, p.Lys332Asn (NM_001207014.3); short protein forms K332N.
Identifiers: ClinVar variation 1492126 (VCV001492126.5), dbSNP rs147936395, ClinGen allele CA224661855.